The following is an entry in ClinVar:

ClinVar aggregate classification (germline): Likely benign. Review status: criteria provided, single submitter (1 of 4 stars). 2 submissions from 2 submitters: Likely benign (1). 1 of the submissions does not count toward it. Last evaluated 2019-12-31.

Conditions:
NEK9-related disorder. Also called: NEK9-related condition.

Allele frequency attached by ClinVar (database versions not stated): 1000 Genomes Project below 0.00001; gnomAD exomes 0.00005 and 0.00018; ExAC 0.00022; gnomAD 0.00054 and 0.00060; TOPMed 0.00075; ESP Exome Variant Server 0.00092.
gnomAD v4.1: 157 of 1,603,344 alleles (0.0098%); highest among the groups gnomAD compares: African/African-American, 0.19%; no homozygotes.

Submissions (2):

Labcorp Genetics (formerly Invitae), Labcorp
Classification: Likely benign. Last evaluated: 2019-12-31. Review status: criteria provided, single submitter. Criteria: Invitae Variant Classification Sherloc (09022015). Collection method: clinical testing. Allele origin: germline.

PreventionGenetics, part of Exact Sciences
Classification: Likely benign for NEK9-related condition. Last evaluated: 2020-01-14. Review status: no assertion criteria provided. Collection method: clinical testing. Allele origin: germline. Not counted in ClinVar's aggregate classification.
Comment: This variant is classified as likely benign based on ACMG/AMP sequence variant interpretation guidelines (Richards et al. 2015 PMID: 25741868, with internal and published modifications).

NM_033116.6(NEK9):c.2442+4A>G

Gene: NEK9 (NIMA related kinase 9; minus strand). Cytogenetic location: 14q24.3.
Variant type: single nucleotide variant.
Coding change: c.2442+4A>G on transcript NM_033116.6 (MANE Select); 4 bases into the intron after coding-DNA position 2442, A replaced by G.
Molecular consequence: intron variant.
Genome position (GRCh38, 1-based): chr14:75,091,266, T>C on the plus strand (A>G on the coding strand, the complement: NEK9 is on the minus strand). VCF-style: chr14-75091266-T-C. GRCh37 (hg19) VCF-style: chr14-75557969-T-C.
Other names: c.2088+4A>G (NM_001329238.2); c.2478+4A>G (NM_001329237.2); c.2442+4A>G (NM_033116.5).
Identifiers: ClinVar variation 710224 (VCV000710224.6), dbSNP rs200445076, ClinGen allele CA7276669.